The following is an entry in ClinVar:

ClinVar aggregate classification (germline): Uncertain significance (1 of 4 stars; one submission).

Submission:

Labcorp Genetics (formerly Invitae), Labcorp
Classification: Uncertain significance. Last evaluated: 2021-11-13. Review status: criteria provided, single submitter. Criteria: Invitae Variant Classification Sherloc (09022015). Collection method: clinical testing. Allele origin: germline.
Comment: In summary, the available evidence is currently insufficient to determine the role of this variant in disease. Therefore, it has been classified as a Variant of Uncertain Significance. Algorithms developed to predict the effect of missense changes on protein structure and function (SIFT, PolyPhen-2, Align-GVGD) all suggest that this variant is likely to be disruptive. This variant has not been reported in the literature in individuals affected with MPDZ-related conditions. This variant is not present in population databases (gnomAD no frequency). This sequence change replaces isoleucine, which is neutral and non-polar, with asparagine, which is neutral and polar, at codon 220 of the MPDZ protein (p.Ile220Asn).

NM_001378778.1(MPDZ):c.659T>A (p.Ile220Asn)

Gene: MPDZ (multiple PDZ domain crumbs cell polarity complex component; minus strand). Cytogenetic location: 9p23.
Variant type: single nucleotide variant.
Coding change: c.659T>A on transcript NM_001378778.1 (MANE Select); coding-DNA position 659, T replaced by A.
Protein change: p.Ile220Asn; replaces isoleucine 220 with asparagine.
Molecular consequence: missense variant.
Genome position (GRCh38, 1-based): chr9:13,222,321, A>T on the plus strand (T>A on the coding strand, the complement: MPDZ is on the minus strand). VCF-style: chr9-13222321-A-T. GRCh37 (hg19) VCF-style: chr9-13222320-A-T.
Other names: c.659T>A, p.Ile220Asn (NM_001261407.2, NM_001330637.2, NM_001375413.1 and 14 more transcripts); short protein forms I220N.
Identifiers: ClinVar variation 1372757 (VCV001372757.6), dbSNP rs61754775, ClinGen allele CA372946746.